The following is an entry in ClinVar:

ClinVar aggregate classification (germline): Uncertain significance (1 of 4 stars; one submission).

Conditions:
Developmental and epileptic encephalopathy, 8 (DEE8). Also called: HYPEREKPLEXIA AND EPILEPSY. Identifiers: Orphanet 163985, Orphanet 2076, MedGen C1845102, MONDO:0010375, OMIM 300607.

Allele frequency attached by ClinVar (database versions not stated): TOPMed below 0.00001; ExAC 0.00001; gnomAD 0.00001; gnomAD exomes 0.00001.

Submission:

Labcorp Genetics (formerly Invitae), Labcorp
Classification: Uncertain significance for Developmental and epileptic encephalopathy, 8. Last evaluated: 2024-04-04. Review status: criteria provided, single submitter. Criteria: Invitae Variant Classification Sherloc (09022015). Collection method: clinical testing. Allele origin: germline.
Comment: This sequence change replaces valine, which is neutral and non-polar, with isoleucine, which is neutral and non-polar, at codon 34 of the ARHGEF9 protein (p.Val34Ile). This variant is present in population databases (rs782483299, gnomAD 0.001%). This variant has not been reported in the literature in individuals affected with ARHGEF9-related conditions. ClinVar contains an entry for this variant (Variation ID: 2138496). Advanced modeling of protein sequence and biophysical properties (such as structural, functional, and spatial information, amino acid conservation, physicochemical variation, residue mobility, and thermodynamic stability) has been performed at Invitae for this missense variant, however the output from this modeling did not meet the statistical confidence thresholds required to predict the impact of this variant on ARHGEF9 protein function. In summary, the available evidence is currently insufficient to determine the role of this variant in disease. Therefore, it has been classified as a Variant of Uncertain Significance.

NM_001353921.2(ARHGEF9):c.121G>A (p.Val41Ile)

Gene: ARHGEF9 (Cdc42 guanine nucleotide exchange factor 9; minus strand). Cytogenetic location: Xq11.1.
Variant type: single nucleotide variant.
Coding change: c.121G>A on transcript NM_001353921.2 (MANE Select); coding-DNA position 121, G replaced by A.
Protein change: p.Val41Ile; replaces valine 41 with isoleucine.
Molecular consequence: missense variant. On other transcripts: 5 prime UTR variant (2), intron variant (6).
Genome position (GRCh38, 1-based): chrX:63,724,621, C>T on the plus strand (G>A on the coding strand, the complement: ARHGEF9 is on the minus strand). VCF-style: chrX-63724621-C-T. GRCh37 (hg19) VCF-style: chrX-62944501-C-T.
Other names: c.37G>A, p.Val13Ile (NM_001330495.2, NM_001353927.2, NM_001369033.1 and 8 more transcripts); c.121G>A, p.Val41Ile (NM_001353922.2); c.139G>A, p.Val47Ile (NM_001353923.1); c.100G>A, p.Val34Ile (NM_001353928.2, NM_001369030.1, NM_001369031.1 and 2 more transcripts); c.-343G>A (NM_001369042.1); c.-583G>A (NM_001369045.1); c.31-18172G>A (NM_001173479.2); c.10-18172G>A (NM_001369040.1, NM_001369039.1, NM_001353926.2 and 1 more transcripts); and 1 more; short protein forms V13I, V41I, V34I, V47I.
Identifiers: ClinVar variation 2138496 (VCV002138496.4), dbSNP rs782483299, ClinGen allele CA10431990.